The following is an entry in ClinVar:

NM_000059.4(BRCA2):c.598A>G (p.Thr200Ala)

Gene: BRCA2 (BRCA2 DNA repair associated; plus strand). Cytogenetic location: 13q13.1.
Variant type: single nucleotide variant.
Coding change: c.598A>G on transcript NM_000059.4 (MANE Select); coding-DNA position 598, A replaced by G.
Protein change: p.Thr200Ala; replaces threonine 200 with alanine.
Molecular consequence: missense variant.
Genome position (GRCh38, 1-based): chr13:32,326,580, A>G. VCF-style: chr13-32326580-A-G. GRCh37 (hg19) VCF-style: chr13-32900717-A-G.
Other names: short protein forms T200A.
Identifiers: ClinVar variation 91432 (VCV000091432.20), dbSNP rs398122543, ClinGen allele CA023469.

ClinVar aggregate classification (germline): Uncertain significance. Review status: criteria provided, multiple submitters, no conflicts (2 of 4 stars). 5 submissions from 5 submitters: Uncertain significance (4). 1 of the submissions does not count toward it. Last evaluated 2025-01-28.

Conditions:
Hereditary breast ovarian cancer syndrome. Also called: Breast and ovarian cancer; Hereditary breast and ovarian cancer; Hereditary breast and ovarian cancer syndrome; BRCA1- and BRCA2-Associated Hereditary Breast and Ovarian Cancer; Hereditary breast and ovarian cancer syndrome (HBOC); Hereditary breast and/or ovarian cancer syndrome. Identifiers: Orphanet 145, MedGen C0677776, MeSH D061325, MONDO:0003582. Disease mechanism: loss of function.
Hereditary cancer-predisposing syndrome. Also called: Tumor predisposition; Hereditary Cancer Syndrome; Neoplastic Syndromes, Hereditary; Hereditary neoplastic syndrome. Identifiers: Orphanet 140162, MedGen C0027672, MeSH D009386, MONDO:0015356.
Breast-ovarian cancer, familial, susceptibility to, 2 (BROVCA2). Also called: BRCA2 Hereditary Breast and Ovarian Cancer. Identifiers: Orphanet 145, MedGen C2675520, MONDO:0012933, OMIM 612555. Disease mechanism: loss of function.

Allele frequency attached by ClinVar (database versions not stated): TOPMed below 0.00001; gnomAD exomes 0.00001.
gnomAD v4.1: 13 of 1,611,912 alleles (0.00081%); highest among the groups gnomAD compares: Non-Finnish European, 0.0011%; no homozygotes.

Submissions (5):

Ambry Genetics
Classification: Uncertain significance for Hereditary cancer-predisposing syndrome. Last evaluated: 2025-01-28. Review status: criteria provided, single submitter. Criteria: Ambry Variant Classification Scheme 2023. Collection method: clinical testing. Allele origin: germline.
Comment: The p.T200A variant (also known as c.598A>G), located in coding exon 6 of the BRCA2 gene, results from an A to G substitution at nucleotide position 598. The threonine at codon 200 is replaced by alanine, an amino acid with similar properties. This amino acid position is highly conserved in available vertebrate species. In addition, this alteration is predicted to be tolerated by in silico analysis. Based on the available evidence, the clinical significance of this variant remains unclear.

Labcorp Genetics (formerly Invitae), Labcorp
Classification: Uncertain significance for Hereditary breast ovarian cancer syndrome. Last evaluated: 2024-10-06. Review status: criteria provided, single submitter. Criteria: Invitae Variant Classification Sherloc (09022015). Collection method: clinical testing. Allele origin: germline.
Comment: This sequence change replaces threonine, which is neutral and polar, with alanine, which is neutral and non-polar, at codon 200 of the BRCA2 protein (p.Thr200Ala). This variant is not present in population databases (gnomAD no frequency). This variant has not been reported in the literature in individuals affected with BRCA2-related conditions. ClinVar contains an entry for this variant (Variation ID: 91432). Invitae Evidence Modeling of protein sequence and biophysical properties (such as structural, functional, and spatial information, amino acid conservation, physicochemical variation, residue mobility, and thermodynamic stability) indicates that this missense variant is not expected to disrupt BRCA2 protein function with a negative predictive value of 95%. In summary, the available evidence is currently insufficient to determine the role of this variant in disease. Therefore, it has been classified as a Variant of Uncertain Significance.

GeneDx
Classification: Uncertain significance. Last evaluated: 2022-11-03. Review status: criteria provided, single submitter. Criteria: GeneDx Variant Classification Process June 2021. Collection method: clinical testing. Allele origin: germline. Affected: yes.
Comment: Published functional studies demonstrate this variant is associated with normal splicing (Wai et al., 2020); In silico analysis supports that this missense variant does not alter protein structure/function; Not observed at significant frequency in large population cohorts (gnomAD); Also known as 826A>G; This variant is associated with the following publications: (PMID: 32123317)

Color Diagnostics, LLC DBA Color Health
Classification: Uncertain significance for Hereditary cancer-predisposing syndrome. Last evaluated: 2021-06-29. Review status: criteria provided, single submitter. Criteria: ACMG Guidelines, 2015. Collection method: clinical testing. Allele origin: germline.
Comment: This missense variant replaces threonine with alanine at codon 200 of the BRCA2 protein. Computational prediction suggests that this variant may not impact protein structure and function (internally defined REVEL score threshold <= 0.5, PMID: 27666373). To our knowledge, functional studies have not been reported for this variant. This variant has not been reported in individuals affected with hereditary cancer in the literature. This variant has not been identified in the general population by the Genome Aggregation Database (gnomAD). The available evidence is insufficient to determine the role of this variant in disease conclusively. Therefore, this variant is classified as a Variant of Uncertain Significance.

Sharing Clinical Reports Project (SCRP)
Classification: Uncertain significance for Breast-ovarian cancer, familial 2. Last evaluated: 2008-04-09. Review status: no assertion criteria provided. Collection method: clinical testing. Allele origin: germline. Not counted in ClinVar's aggregate classification.